The following is an entry in ClinVar:

ClinVar aggregate classification (germline): Uncertain significance. Review status: criteria provided, multiple submitters, no conflicts (2 of 4 stars). 7 submissions from 7 submitters: Uncertain significance (7). Last evaluated 2025-05-13.

Conditions:
Hereditary cancer-predisposing syndrome. Also called: Hereditary Cancer Syndrome; Neoplastic Syndromes, Hereditary; Hereditary neoplastic syndrome; Tumor predisposition. Identifiers: Orphanet 140162, MedGen C0027672, MeSH D009386, MONDO:0015356.
Familial cancer of breast. Also called: Hereditary breast cancer; hereditary breast carcinoma; BREAST CANCER, FAMILIAL. Identifiers: Orphanet 227535, MedGen C0346153, MONDO:0016419, OMIM 114480. Disease mechanism: loss of function.
Fanconi anemia complementation group J. Also called: BRIP1-Related Fanconi Anemia. Identifiers: Orphanet 84, MedGen C1836860, MONDO:0012187, OMIM 609054.

Allele frequency attached by ClinVar (database versions not stated): ExAC 0.00001; gnomAD 0.00003 and 0.00004; TOPMed 0.00005.
gnomAD v4.1: 9 of 1,613,958 alleles (0.00056%); highest among the groups gnomAD compares: Admixed American, 0.015%; no homozygotes.

Submissions (7):

Labcorp Genetics (formerly Invitae), Labcorp
Classification: Uncertain significance for Familial cancer of breast; Fanconi anemia complementation group J. Last evaluated: 2025-05-13. Review status: criteria provided, single submitter. Criteria: Invitae Variant Classification Sherloc (09022015). Collection method: clinical testing. Allele origin: germline.
Comment: This sequence change replaces isoleucine, which is neutral and non-polar, with phenylalanine, which is neutral and non-polar, at codon 364 of the BRIP1 protein (p.Ile364Phe). This variant is present in population databases (rs770306753, gnomAD 0.01%). This variant has not been reported in the literature in individuals affected with BRIP1-related conditions. ClinVar contains an entry for this variant (Variation ID: 822142). Invitae Evidence Modeling of protein sequence and biophysical properties (such as structural, functional, and spatial information, amino acid conservation, physicochemical variation, residue mobility, and thermodynamic stability) indicates that this missense variant is expected to disrupt BRIP1 protein function with a positive predictive value of 95%. In summary, the available evidence is currently insufficient to determine the role of this variant in disease. Therefore, it has been classified as a Variant of Uncertain Significance.

Ambry Genetics
Classification: Uncertain significance for Hereditary cancer-predisposing syndrome. Last evaluated: 2025-03-18. Review status: criteria provided, single submitter. Criteria: Ambry Variant Classification Scheme 2023. Collection method: clinical testing. Allele origin: germline.
Comment: The p.I364F variant (also known as c.1090A>T), located in coding exon 7 of the BRIP1 gene, results from an A to T substitution at nucleotide position 1090. The isoleucine at codon 364 is replaced by phenylalanine, an amino acid with highly similar properties. This amino acid position is highly conserved in available vertebrate species. In addition, this alteration is predicted to be deleterious by in silico analysis. Since supporting evidence is limited at this time, the clinical significance of this alteration remains unclear.

Quest Diagnostics Nichols Institute San Juan Capistrano
Classification: Uncertain significance. Last evaluated: 2024-05-01. Review status: criteria provided, single submitter. Criteria: Quest Diagnostics criteria. Collection method: clinical testing. Allele origin: unknown.
Comment: The BRIP1 c.1090A>T (p.Ile364Phe) variant has not been reported in individuals with BRIP1-related conditions in the published literature. The frequency of this variant in the general population, 0.00012 (4/34588 chromosomes (Genome Aggregation Database)), is uninformative in the assessment of its pathogenicity. Analysis of this variant using bioinformatics tools for the prediction of the effect of amino acid changes on protein structure and function yielded predictions that this variant is damaging. Based on the available information, we are unable to determine the clinical significance of this variant.

Fulgent Genetics
Classification: Uncertain significance for Familial cancer of breast; Fanconi anemia complementation group J. Last evaluated: 2024-03-26. Review status: criteria provided, single submitter. Criteria: ACMG Guidelines, 2015. Collection method: clinical testing. Allele origin: germline.

Baylor Genetics
Classification: Uncertain significance for Familial cancer of breast. Last evaluated: 2024-03-06. Review status: criteria provided, single submitter. Criteria: ACMG Guidelines, 2015. Collection method: clinical testing. Allele origin: unknown.

St. Jude Molecular Pathology, St. Jude Children's Research Hospital
Classification: Uncertain significance for Fanconi anemia complementation group J. Last evaluated: 2024-01-20. Review status: criteria provided, single submitter. Criteria: St. Jude Assertion Criteria 2020. Collection method: clinical testing. Allele origin: germline.

Women's Health and Genetics/Laboratory Corporation of America, LabCorp
Classification: Uncertain significance. Last evaluated: 2021-05-29. Review status: criteria provided, single submitter. Criteria: LabCorp Variant Classification Summary - May 2015. Collection method: clinical testing. Allele origin: germline.
Comment: Variant summary: BRIP1 c.1090A>T (p.Ile364Phe) results in a non-conservative amino acid change in the encoded protein sequence. Five of five in-silico tools predict a damaging effect of the variant on protein function. The variant allele was found at a frequency of 1.6e-05 in 251334 control chromosomes. The available data on variant occurrences in the general population are insufficient to allow any conclusion about variant significance. To our knowledge, no occurrence of c.1090A>T in individuals affected with Breast Cancer and no experimental evidence demonstrating its impact on protein function have been reported. Two clinical diagnostic laboratories have submitted clinical-significance assessments for this variant to ClinVar after 2014 without evidence for independent evaluation. All laboratories classified the variant as uncertain significance. Based on the evidence outlined above, the variant was classified as uncertain significance.

NM_032043.3(BRIP1):c.1090A>T (p.Ile364Phe)

Gene: BRIP1 (BRCA1 interacting DNA helicase 1; minus strand). Cytogenetic location: 17q23.2.
Variant type: single nucleotide variant.
Coding change: c.1090A>T on transcript NM_032043.3 (MANE Select); coding-DNA position 1090, A replaced by T.
Protein change: p.Ile364Phe; replaces isoleucine 364 with phenylalanine.
Molecular consequence: missense variant.
Genome position (GRCh38, 1-based): chr17:61,801,303, T>A on the plus strand (A>T on the coding strand, the complement: BRIP1 is on the minus strand). VCF-style: chr17-61801303-T-A. GRCh37 (hg19) VCF-style: chr17-59878664-T-A.
Other names: short protein forms I364F.
Identifiers: ClinVar variation 822142 (VCV000822142.21), dbSNP rs770306753, ClinGen allele CA8690804.
Genomic context (GRCh38, chr17:61,801,303, plus strand): 5'-ATATACTCACACTTTCCCTTATTTGTGCATCTAGAAGATAGTTGTAGGGACAAAATATGA[T>A]GTCAGCATCTTGTATTAGTTCTCGGGCTGTGTAATATGGACAGGCCTTTAGTTTCTTCCC-3'
Protein context (NP_114432.2, residues 354-374): TARELIQDAD[Ile364Phe]IFCPYNYLLD